The following is an entry in ClinVar:

ClinVar aggregate classification (germline): Uncertain significance. Review status: criteria provided, multiple submitters, no conflicts (2 of 4 stars). 2 submissions from 2 submitters: Uncertain significance (2). Last evaluated 2023-11-27.

Allele frequency attached by ClinVar (database versions not stated): gnomAD exomes below 0.00001.
gnomAD v4.1: 3 of 1,613,618 alleles (0.00019%); highest among the groups gnomAD compares: Non-Finnish European, 0.00017%; no homozygotes.

Submissions (2):

Labcorp Genetics (formerly Invitae), Labcorp
Classification: Uncertain significance. Last evaluated: 2023-11-27. Review status: criteria provided, single submitter. Criteria: Invitae Variant Classification Sherloc (09022015). Collection method: clinical testing. Allele origin: germline.
Comment: This sequence change replaces glutamic acid, which is acidic and polar, with valine, which is neutral and non-polar, at codon 517 of the OPA1 protein (p.Glu517Val). This variant is not present in population databases (gnomAD no frequency). This variant has not been reported in the literature in individuals affected with OPA1-related conditions. ClinVar contains an entry for this variant (Variation ID: 1970628). Advanced modeling of protein sequence and biophysical properties (such as structural, functional, and spatial information, amino acid conservation, physicochemical variation, residue mobility, and thermodynamic stability) performed at Invitae indicates that this missense variant is not expected to disrupt OPA1 protein function with a negative predictive value of 80%. In summary, the available evidence is currently insufficient to determine the role of this variant in disease. Therefore, it has been classified as a Variant of Uncertain Significance.

GeneDx
Classification: Uncertain significance. Last evaluated: 2023-03-30. Review status: criteria provided, single submitter. Criteria: GeneDx Variant Classification Process June 2021. Collection method: clinical testing. Allele origin: germline. Affected: yes.
Comment: Not observed at significant frequency in large population cohorts (gnomAD); In silico analysis supports that this missense variant has a deleterious effect on protein structure/function; Has not been previously published as pathogenic or benign to our knowledge

NM_130837.3(OPA1):c.1715A>T (p.Glu572Val)

Gene: OPA1 (OPA1 mitochondrial dynamin like GTPase; plus strand). Cytogenetic location: 3q29.
Variant type: single nucleotide variant.
Coding change: c.1715A>T on transcript NM_130837.3 (MANE Select); coding-DNA position 1715, A replaced by T.
Protein change: p.Glu572Val; replaces glutamic acid 572 with valine.
Molecular consequence: missense variant.
Genome position (GRCh38, 1-based): chr3:193,645,761, A>T. VCF-style: chr3-193645761-A-T. GRCh37 (hg19) VCF-style: chr3-193363550-A-T.
Other names: c.1181A>T, p.Glu394Val (NM_001354663.2); c.1178A>T, p.Glu393Val (NM_001354664.2); c.1550A>T, p.Glu517Val (NM_015560.3); c.1442A>T, p.Glu481Val (NM_130831.3); c.1496A>T, p.Glu499Val (NM_130832.3); c.1553A>T, p.Glu518Val (NM_130833.3); c.1604A>T, p.Glu535Val (NM_130834.3); c.1607A>T, p.Glu536Val (NM_130835.3); and 1 more; short protein forms E499V, E393V, E518V, E535V, E572V, E394V, E481V, E517V.
Identifiers: ClinVar variation 1970628 (VCV001970628.6), dbSNP rs2474904160, ClinGen allele CA355790239.